The following is an entry in ClinVar:

NM_152296.5(ATP1A3):c.3042A>C (p.Ter1014Cys)

Gene: ATP1A3 (ATPase Na+/K+ transporting subunit alpha 3; minus strand). Cytogenetic location: 19q13.2.
Variant type: single nucleotide variant.
Coding change: c.3042A>C on transcript NM_152296.5 (MANE Select); coding-DNA position 3042, A replaced by C.
Protein change: p.Ter1014Cys.
Molecular consequence: stop lost.
Genome position (GRCh38, 1-based): chr19:41,966,937, T>G on the plus strand (A>C on the coding strand, the complement: ATP1A3 is on the minus strand). VCF-style: chr19-41966937-T-G. GRCh37 (hg19) VCF-style: chr19-42471089-T-G.
Other names: c.3075A>C, p.Ter1025Cys (NM_001256213.2); c.3081A>C, p.Ter1027Cys (NM_001256214.2).
Identifiers: ClinVar variation 2571045 (VCV002571045.27), dbSNP rs2514022206, ClinGen allele CA406034753.
Genomic context (GRCh38, chr19:41,966,937, plus strand): 5'-ACAGGGGCGGTCCTGGGCCTGGGGGACGGGGAAGAGATGGGCGATGTGGTGGGGCTGAGG[T>G]CAGTAGTAGGTTTCCTTCTCCACCCAACCTGGAGAGACAAAGAAGGAAAGAAAGAGACAG-3'

ClinVar aggregate classification (germline): Pathogenic (1 of 4 stars; one submission).

Submission:

CeGaT Center for Human Genetics Tuebingen
Classification: Pathogenic. Last evaluated: 2023-06-01. Review status: criteria provided, single submitter. Criteria: CeGaT Center For Human Genetics Tuebingen Variant Classification Criteria Version 2. Collection method: clinical testing. Allele origin: germline. Affected: yes. Observed: 1 variant allele.
Comment: ATP1A3: PVS1, PM2